The following is an entry in ClinVar:

NM_022124.6(CDH23):c.5237G>A (p.Arg1746Gln)

Gene: CDH23 (cadherin related 23; plus strand). Cytogenetic location: 10q22.1.
Variant type: single nucleotide variant.
Coding change: c.5237G>A on transcript NM_022124.6 (MANE Select); coding-DNA position 5237, G replaced by A.
Protein change: p.Arg1746Gln; replaces arginine 1746 with glutamine.
Molecular consequence: missense variant.
Genome position (GRCh38, 1-based): chr10:71,779,316, G>A. VCF-style: chr10-71779316-G-A. GRCh37 (hg19) VCF-style: chr10-73539073-G-A.
Other names: short protein forms R1746Q.
Identifiers: ClinVar variation 4916 (VCV000004916.74), dbSNP rs111033270, ClinGen allele CA253321.

ClinVar aggregate classification (germline): Pathogenic. Review status: criteria provided, multiple submitters, no conflicts (2 of 4 stars). 20 submissions from 20 submitters: Pathogenic (19). 1 of the submissions does not count toward it. Last evaluated 2026-09-07.

Conditions:
CDH23-related disorder. Also called: CDH23-related disorders; CDH23-related condition.
Autosomal recessive nonsyndromic hearing loss 12. Also called: DEAFNESS, AUTOSOMAL RECESSIVE 12. Identifiers: Orphanet 90636, MedGen C1832394, MONDO:0011067, OMIM 601386.
Usher syndrome type 1D (USH1D). Also called: USHER SYNDROME, TYPE ID. Identifiers: Orphanet 231169, Orphanet 886, MedGen C1832845, MONDO:0010984, OMIM 601067.
Pituitary adenoma 5, multiple types. Identifiers: MedGen C4539685, MONDO:0054601, OMIM 617540.
Usher syndrome. Also called: Usher Syndromes; Usher's syndrome. Identifiers: Orphanet 886, MedGen CN469326, MeSH D052245, MONDO:0019501. Disease mechanism: loss of function.
Childhood onset hearing loss.
Rare genetic deafness. Identifiers: Orphanet 96210, MedGen C5680250.
Inborn genetic diseases. Identifiers: MedGen C0950123, MeSH D030342.
Usher syndrome type 1 (USH1). Also called: RETINITIS PIGMENTOSA AND CONGENITAL DEAFNESS. Identifiers: Orphanet 231169, Orphanet 886, MedGen C1568247, MONDO:0010168, OMIM 276900.
Retinal disorder. Also called: Retinopathies; Retinal Diseases; Retinal disorders; Retinopathy. Identifiers: MedGen C0035309, MONDO:0005283, HP:0000488.

Allele frequency attached by ClinVar (database versions not stated): gnomAD exomes 0.00007 and 0.00016; TOPMed 0.00018; ExAC 0.00007; gnomAD 0.00015 and 0.00016.
gnomAD v4.1: 258 of 1,613,864 alleles (0.016%); highest among the groups gnomAD compares: African/African-American, 0.023%; no homozygotes.

Submissions 1 to 11 of 20:

Genetics Laboratory, Great Ormond Street Hospital NHS Foundation Trust, North Thames Genomic Laboratory Hub
Classification: Pathogenic for Retinal disorders. Last evaluated: 2026-09-07. Review status: criteria provided, single submitter. Criteria: ACGS Best Practice Guidelines for Variant Classification in Rare Disease 2024 v1.2. Collection method: clinical testing. Allele origin: germline. Affected: yes.
Comment: PM2_moderate, PVS1_strong, PM3_strong

PreventionGenetics, part of Exact Sciences
Classification: Pathogenic for CDH23-related condition. Last evaluated: 2026-08-01. Review status: criteria provided, single submitter. Criteria: ACMG Guidelines, 2015. Collection method: clinical testing. Allele origin: germline.
Comment: The CDH23 c.5237G>A variant is predicted to result in the amino acid substitution p.Arg1746Gln. This variant has been reported in the homozygous and compound heterozygous states in individuals with Usher syndrome type 1 (Schultz et al. 2011. PubMed ID: 21940737; Table S4, Zhao et al. 2014. PubMed ID: 25472526; Wafa et al. 2021. PubMed ID: 33089500) and in the homozygous and compound heterozygous states in individuals with atypical Usher syndrome type 1D (Supplementary Table A, Bolz et al. 2001. PubMed ID: 11138009). This variant was also reported in the compound heterozygous state in individuals with non-syndromic deafness (Schultz et al. 2011. PubMed ID: 21940737). It has also been reported in an individual with multifocal choroiditis (MFC) (Supplementary Table 2, Li et al. 2020. PubMed ID: 32707200) and in an individual with autosomal recessive sector retinitis pigmentosa (Georgiou et al. 2020. PubMed ID: 32795431). Functional studies have shown that this variant causes aberrant splicing by creation of a new cryptic splice acceptor site that leads to a loss of 17 amino acids (Becirovic et al. 2008. PubMed ID: 18273900). This variant is reported in 0.013% of alleles in individuals of European (Non-Finnish) descent in gnomAD and is classified as pathogenic in ClinVar (Variation ID: 4916). This variant is interpreted as pathogenic.

Labcorp Genetics (formerly Invitae), Labcorp
Classification: Pathogenic. Last evaluated: 2026-01-03. Review status: criteria provided, single submitter. Criteria: Invitae Variant Classification Sherloc (09022015). Collection method: clinical testing. Allele origin: germline.
Comment: This sequence change replaces arginine, which is basic and polar, with glutamine, which is neutral and polar, at codon 1746 of the CDH23 protein (p.Arg1746Gln). RNA analysis indicates that this missense change induces altered splicing and likely results in the loss of 17 amino acid residue(s), but is expected to preserve the integrity of the reading-frame. This variant is present in population databases (rs111033270, gnomAD 0.01%). This missense change has been observed in individuals with Usher syndrome and autosomal recessive deafness (PMID: 11138009, 21940737, 25472526). It has also been observed to segregate with disease in related individuals. ClinVar contains an entry for this variant (Variation ID: 4916). Invitae Evidence Modeling of protein sequence and biophysical properties (such as structural, functional, and spatial information, amino acid conservation, physicochemical variation, residue mobility, and thermodynamic stability) has been performed for this missense variant. However, the output from this modeling did not meet the statistical confidence thresholds required to predict the impact of this variant on CDH23 protein function. Studies have shown that this missense change results in the activation of a cryptic splice site in exon 41 (PMID: 18273900, 21940737). For these reasons, this variant has been classified as Pathogenic.

Natera, Inc.
Classification: Pathogenic for Usher syndrome type 1. Last evaluated: 2025-12-04. Review status: criteria provided, single submitter. Criteria: Natera Variant Classification Schema (03/2026). Collection method: clinical testing. Allele origin: germline.
Comment: The c.5237G>A variant in CDH23 is a missense variant predicted to cause substitution of arginine to glutamine at amino acid 1746. This variant is rare in the general population with a frequency below the threshold expected for the associated phenotype(s). This variant has been observed in one or more individuals affected with the associated recessive disease, as either homozygous or compound heterozygous with a second variant (PMID: 21940737). Additionally, this variant has been observed to segregate in affected family members (PMID: 21940737). Given the available evidence, this variant is classified as Pathogenic.

CeGaT Center for Human Genetics Tuebingen
Classification: Pathogenic. Last evaluated: 2025-09-01. Review status: criteria provided, single submitter. Criteria: CeGaT Center For Human Genetics Tuebingen Variant Classification Criteria Version 2. Collection method: clinical testing. Allele origin: germline. Affected: yes. Observed: 3 variant alleles.
Comment: CDH23: PM3:Very Strong, PP1:Strong, PM2, PP3, PS3:Supporting

Blueprint Genetics
Classification: Pathogenic for CDH23-related disorders. Last evaluated: 2024-10-21. Review status: criteria provided, single submitter. Criteria: ACMG Guidelines, 2015. Collection method: clinical testing. Allele origin: germline. Affected: yes. Observed: 5 variant alleles.

Dubai Health Genomic Medicine Center, Dubai Health
Classification: Pathogenic for Usher syndrome. Last evaluated: 2024-10-04. Review status: criteria provided, single submitter. Criteria: ACMG Guidelines, 2015. Collection method: research. Allele origin: germline. Affected: yes.
Comment: PS3,PP1,PM2,PP3,PM3 (strong)

Fulgent Genetics
Classification: Pathogenic for Usher syndrome type 1D; Autosomal recessive nonsyndromic hearing loss 12; Pituitary adenoma 5, multiple types. Last evaluated: 2024-03-28. Review status: criteria provided, single submitter. Criteria: ACMG Guidelines, 2015. Collection method: clinical testing. Allele origin: germline.

Baylor Genetics
Classification: Pathogenic for Pituitary adenoma 5, multiple types. Last evaluated: 2024-03-27. Review status: criteria provided, single submitter. Criteria: ACMG Guidelines, 2015. Collection method: clinical testing. Allele origin: unknown.

Wonkam Laboratory, Johns Hopkins University
Classification: Pathogenic for Autosomal recessive nonsyndromic hearing loss 12. Last evaluated: 2024-01-06. Review status: criteria provided, single submitter. Criteria: ACMG Guidelines, 2015. Collection method: research. Allele origin: germline. Inheritance: Autosomal recessive inheritance. Affected: yes. Observed: 2 variant alleles.
Comment: This variant CDH23 c.5237G>A (NM_022124.5) has been shown with well-established in vitro or in vivo functional studies supportive of a damaging effect on the gene or gene product (PS3), the varinat is located in a mutational hot spot and/or critical and well-established functional domain (e.g., active site of an enzyme) without benign variation (PM1), absent from controls (or at extremely low frequency if recessive) in Exome Sequencing Project, 1000 Genomes Project, or Exome Aggregation Consortium (PM2), Patient's phenotype or family history is highly specific for a disease with a single genetic etiology (PP4), reputable source recently reports variant as pathogenic, but the evidence is not available to the laboratory to perform an independent evaluation (PP5)

GeneDx
Classification: Pathogenic. Last evaluated: 2023-03-21. Review status: criteria provided, single submitter. Criteria: GeneDx Variant Classification Process June 2021. Collection method: clinical testing. Allele origin: germline. Affected: yes.
Comment: Published functional studies demonstrate a damaging effect; minigene functional splicing assay showed p.(R1746Q) causes aberrant splicing: a novel acceptor site is generated and exclusively used, resulting in in-frame exclusion of 51 bp, a predicted loss of 17 amino acid residues, including a DINDN Ca2+-binding motif, in EC17 (Becirovic et al., 2008); This variant is associated with the following publications: (PMID: 25468891, 28847902, 33089500, 12075507, 20613545, 25472526, 21940737, 32795431, 31980526, 32707200, 32037395, 35020051, 32991204, 11138009, 35186827, 18273900, 35076463, 35440622, 36056583)